The following is an entry in ClinVar:

NM_001267550.2(TTN):c.83158G>T (p.Ala27720Ser)

Genes: TTN (titin; minus strand), TTN-AS1 (TTN antisense RNA 1; plus strand). Cytogenetic location: 2q31.2.
Variant type: single nucleotide variant.
Coding change: c.83158G>T on transcript NM_001267550.2 (MANE Select); coding-DNA position 83158, G replaced by T.
Protein change: p.Ala27720Ser; replaces alanine 27720 with serine.
Molecular consequence: missense variant.
Genome position (GRCh38, 1-based): chr2:178,562,974, C>A on the plus strand (G>T on the coding strand, the complement: TTN is on the minus strand). VCF-style: chr2-178562974-C-A. GRCh37 (hg19) VCF-style: chr2-179427701-C-A.
Other names: c.78235G>T, p.Ala26079Ser (NM_001256850.1); c.55963G>T, p.Ala18655Ser (NM_003319.4); c.75454G>T, p.Ala25152Ser (NM_133378.4); c.56338G>T, p.Ala18780Ser (NM_133432.3); c.56539G>T, p.Ala18847Ser (NM_133437.4); short protein forms A18655S, A18780S, A18847S, A25152S, A26079S, A27720S.
Identifiers: ClinVar variation 3063679 (VCV003063679.1), dbSNP rs2468144341, ClinGen allele CA349569103.

ClinVar aggregate classification (germline): Uncertain significance (1 of 4 stars; one submission).

Allele frequency attached by ClinVar (database versions not stated): gnomAD exomes below 0.00001.
gnomAD v4.1: 1 of 1,613,700 alleles (0.000062%); highest among the groups gnomAD compares: Non-Finnish European, 0.000085%; no homozygotes.

Submission:

Women's Health and Genetics/Laboratory Corporation of America, LabCorp
Classification: Uncertain significance. Last evaluated: 2024-01-25. Review status: criteria provided, single submitter. Criteria: LabCorp Variant Classification Summary - May 2015. Collection method: clinical testing. Allele origin: germline.
Comment: Variant summary: TTN c.75454G>T (p.Ala25152Ser) results in a conservative amino acid change located in the A-band region of the encoded protein sequence. Two of four in-silico tools predict a benign effect of the variant on protein function. The variant was absent in 248426 control chromosomes. The available data on variant occurrences in the general population are insufficient to allow any conclusion about variant significance. To our knowledge, no occurrence of c.75454G>T in individuals affected with Limb-Girdle Muscular Dystrophy, Type 2J and no experimental evidence demonstrating its impact on protein function have been reported. No submitters have cited clinical-significance assessments for this variant to ClinVar. Based on the evidence outlined above, the variant was classified as uncertain significance.